The following is an entry in ClinVar:

NM_020822.3(KCNT1):c.1094G>A (p.Arg365His)

Gene: KCNT1 (potassium sodium-activated channel subfamily T member 1; plus strand). Cytogenetic location: 9q34.3.
Variant type: single nucleotide variant.
Coding change: c.1094G>A on transcript NM_020822.3 (MANE Select); coding-DNA position 1094, G replaced by A.
Protein change: p.Arg365His; replaces arginine 365 with histidine.
Molecular consequence: missense variant.
Genome position (GRCh38, 1-based): chr9:135,765,089, G>A. VCF-style: chr9-135765089-G-A. GRCh37 (hg19) VCF-style: chr9-138656935-G-A.
Other names: c.959G>A, p.Arg320His (NM_001272003.2); short protein forms R365H, R320H.
Identifiers: ClinVar variation 2923300 (VCV002923300.3), dbSNP rs1044487630, ClinGen allele CA201465142.

ClinVar aggregate classification (germline): Uncertain significance (1 of 4 stars; one submission).

Conditions:
Autosomal dominant nocturnal frontal lobe epilepsy 5. Also called: KCNT1-Related Epilepsy; CILIARY DYSKINESIA, PRIMARY, 28, WITH SITUS INVERSUS; CILIARY DYSKINESIA, PRIMARY, 28, WITHOUT SITUS INVERSUS; Epilepsy, nocturnal frontal lobe, 5. Identifiers: Orphanet 98784, MedGen C3554306, MONDO:0014002, OMIM 615005.
Developmental and epileptic encephalopathy, 14 (DEE14). Also called: Early infantile epileptic encephalopathy 14. Identifiers: Orphanet 293181, MedGen C3554195, MONDO:0013989, OMIM 614959.

Allele frequency attached by ClinVar (database versions not stated): gnomAD 0.00001; gnomAD exomes 0.00001; TOPMed 0.00001.
gnomAD v4.1: 13 of 1,613,206 alleles (0.00081%); highest among the groups gnomAD compares: East Asian, 0.0022%; no homozygotes.

Submission:

Labcorp Genetics (formerly Invitae), Labcorp
Classification: Uncertain significance for Autosomal dominant nocturnal frontal lobe epilepsy 5; Developmental and epileptic encephalopathy, 14. Last evaluated: 2023-11-15. Review status: criteria provided, single submitter. Criteria: Invitae Variant Classification Sherloc (09022015). Collection method: clinical testing. Allele origin: germline.
Comment: This sequence change replaces arginine, which is basic and polar, with histidine, which is basic and polar, at codon 365 of the KCNT1 protein (p.Arg365His). This variant is present in population databases (no rsID available, gnomAD 0.003%). This variant has not been reported in the literature in individuals affected with KCNT1-related conditions. Advanced modeling of protein sequence and biophysical properties (such as structural, functional, and spatial information, amino acid conservation, physicochemical variation, residue mobility, and thermodynamic stability) performed at Invitae indicates that this missense variant is not expected to disrupt KCNT1 protein function with a negative predictive value of 80%. In summary, the available evidence is currently insufficient to determine the role of this variant in disease. Therefore, it has been classified as a Variant of Uncertain Significance.